The following is an entry in ClinVar:

NM_020975.6(RET):c.-3G>A

Genes: RET (ret proto-oncogene; plus strand), LOC106736614 (RET 5' regulatory region; plus strand). Cytogenetic location: 10q11.21.
Variant type: single nucleotide variant.
Coding change: c.-3G>A on transcript NM_020975.6 (MANE Select); 3 bases upstream of the start codon, G replaced by A.
Molecular consequence: 5 prime UTR variant.
Genome position (GRCh38, 1-based): chr10:43,077,256, G>A. VCF-style: chr10-43077256-G-A. GRCh37 (hg19) VCF-style: chr10-43572704-G-A.
Other names: c.-3G>A (NM_000323.2, NM_001406743.1, NM_001406744.1 and 38 more transcripts).
Identifiers: ClinVar variation 1736907 (VCV001736907.7), dbSNP rs985601017, ClinGen allele CA206710331.

ClinVar aggregate classification (germline): Conflicting classifications of pathogenicity. Review status: criteria provided, conflicting classifications (1 of 4 stars). 4 submissions from 4 submitters: Uncertain significance (3); Likely benign (1). Last evaluated 2026-04-14.

Conditions:
Multiple endocrine neoplasia, type 2 (MEN2). Identifiers: Orphanet 653, MedGen C4048306, MONDO:0019003. Disease mechanism: gain of function.
Hereditary cancer-predisposing syndrome. Also called: Neoplastic Syndromes, Hereditary; Tumor predisposition; Hereditary Cancer Syndrome; Hereditary neoplastic syndrome. Identifiers: Orphanet 140162, MedGen C0027672, MeSH D009386, MONDO:0015356.

Allele frequency attached by ClinVar (database versions not stated): gnomAD exomes below 0.00001; gnomAD 0.00002; TOPMed 0.00004.

Submissions (4):

Ambry Genetics
Classification: Likely benign for Hereditary cancer-predisposing syndrome. Last evaluated: 2026-04-14. Review status: criteria provided, single submitter. Criteria: Ambry Variant Classification Scheme 2023. Collection method: clinical testing. Allele origin: germline.

Quest Diagnostics Nichols Institute San Juan Capistrano
Classification: Uncertain significance. Last evaluated: 2024-08-23. Review status: criteria provided, single submitter. Criteria: Quest Diagnostics criteria. Collection method: clinical testing. Allele origin: unknown.
Comment: The RET c.-3G>A variant has not been reported in individuals with RET-related conditions in the published literature. The frequency of this variant in the general population, 0.000032 (1/31052 chromosomes (Genome Aggregation Database)), is uninformative in the assessment of its pathogenicity. Based on the available information, we are unable to determine the clinical significance of this variant.

All of Us Research Program, National Institutes of Health
Classification: Uncertain significance for Multiple endocrine neoplasia, type 2. Last evaluated: 2024-06-11. Review status: criteria provided, single submitter. Criteria: ACMG Guidelines, 2015. Collection method: clinical testing. Allele origin: germline. Inheritance: Autosomal dominant inheritance. Observed: 7 variant alleles, 7 heterozygotes.
Comment: This variant causes a G to A nucleotide substitution at the -3 position in the 5' untranslated region in the RET protein. To our knowledge, functional studies have not been reported for this variant. This variant has not been reported in individuals affected with RET-related disorders in the literature. This variant has been identified in 1/31052 chromosomes in the general population by the Genome Aggregation Database (gnomAD). The available evidence is insufficient to determine the role of this variant in disease conclusively. Therefore, this variant is classified as a Variant of Uncertain Significance.

This study involves interpretation of variants in research participants for the purpose of population health screening. Participant phenotype was not available at the time of variant classification. Additional details can be found in publication PMID: 35346344, PMCID: PMC8962531

Color Diagnostics, LLC DBA Color Health
Classification: Uncertain significance for Multiple endocrine neoplasia, type 2. Last evaluated: 2024-04-04. Review status: criteria provided, single submitter. Criteria: ACMG Guidelines, 2015. Collection method: clinical testing. Allele origin: germline.
Comment: This variant causes a G to A nucleotide substitution at the -3 position in the 5' untranslated region in the RET protein. To our knowledge, functional studies have not been reported for this variant. This variant has not been reported in individuals affected with RET-related disorders in the literature. This variant has been identified in 1/31052 chromosomes in the general population by the Genome Aggregation Database (gnomAD). The available evidence is insufficient to determine the role of this variant in disease conclusively. Therefore, this variant is classified as a Variant of Uncertain Significance.